The following is an entry in ClinVar:

ClinVar aggregate classification (germline): Likely benign (1 of 4 stars; one submission).

Allele frequency attached by ClinVar (database versions not stated): ExAC 0.00002; gnomAD 0.00002 and 0.00003; gnomAD exomes 0.00002; TOPMed 0.00002; 1000 Genomes Project 0.00020; 1000 Genomes Project 30x 0.00016.
gnomAD v4.1: 29 of 1,489,546 alleles (0.0019%); highest among the groups gnomAD compares: Non-Finnish European, 0.0026%; no homozygotes.

Submission:

GeneDx
Classification: Likely benign. Last evaluated: 2016-08-09. Review status: criteria provided, single submitter. Criteria: GeneDx Variant Classification (06012015). Collection method: clinical testing. Allele origin: germline. Affected: yes.
Comment: This variant is considered likely benign or benign based on one or more of the following criteria: it is a conservative change, it occurs at a poorly conserved position in the protein, it is predicted to be benign by multiple in silico algorithms, and/or has population frequency not consistent with disease.

NM_020442.6(VARS2):c.2673+11A>G

Gene: VARS2 (valyl-tRNA synthetase 2, mitochondrial; plus strand). Cytogenetic location: 6p21.33.
Variant type: single nucleotide variant.
Coding change: c.2673+11A>G on transcript NM_020442.6 (MANE Select); 11 bases into the intron after coding-DNA position 2673, A replaced by G.
Molecular consequence: intron variant.
Genome position (GRCh38, 1-based): chr6:30,924,571, A>G. VCF-style: chr6-30924571-A-G. GRCh37 (hg19) VCF-style: chr6-30892348-A-G.
Other names: c.2763+11A>G (NM_001167734.2); c.2253+11A>G (NM_001167733.3).
Identifiers: ClinVar variation 388252 (VCV000388252.1), dbSNP rs577093288, ClinGen allele CA3706330.
Genomic context (GRCh38, chr6:30,924,571, plus strand): 5'-CCCCTGCCCCCAGCATCTCGGTTGCCCCCTACCCCAGCGCCTGCAGCTTGGTGAGTCCCA[A>G]GCACCTTGGAGTGGGTCTGTGGGTGAATGGGGGGGAGCACCTTCTGAAGGGGTTTGCTGC-3'